The following is an entry in ClinVar:

ClinVar aggregate classification (germline): Likely pathogenic (1 of 4 stars; one submission).

Conditions:
Inborn genetic diseases. Identifiers: MedGen C0950123, MeSH D030342.

Submission:

Ambry Genetics
Classification: Likely pathogenic for Inborn genetic diseases. Last evaluated: 2022-08-22. Review status: criteria provided, single submitter. Criteria: Ambry Variant Classification Scheme 2023. Collection method: clinical testing. Allele origin: germline.
Comment: The c.409-1245_464del1301 gross deletion includes at least a portion of intron 3 and a portion of exon 4 (coding exon 4) including the exon 4 splice acceptor site of the FGF14 gene. The resulting transcript is predicted to be out-of-frame but this deletion impacts the penultimate exon of the FGF14 gene and may not trigger nonsense-mediated mRNA decay. Gross deletions are typically deleterious in nature and a significant portion of the protein is affected (Ambry internal data). Based on the available evidence, this alteration is classified as likely pathogenic.

NM_004115.4(FGF14):c.409-1245_464del

Gene: FGF14 (fibroblast growth factor 14; minus strand). Cytogenetic location: 13q33.1.
Variant type: Deletion.
Coding change: c.409-1245_464del on transcript NM_004115.4 (MANE Select); 1245 bases into the intron before coding-DNA position 409 through coding-DNA position 464, 1,301 bases deleted.
Molecular consequence: splice acceptor variant.
Genome position (GRCh38, 1-based): chr13:101,726,755-101,728,055, 1,301 bases deleted. GRCh37 (hg19): chr13:102,379,107-102,380,407.
Other names: c.268-1245_323del (NM_001321947.2); c.307-1245_362del (NM_001379342.1, NM_001321948.2, NM_001321945.2); c.157-1245_212del (NM_001321946.2, NM_001321949.1, NM_001321943.1 and 4 more transcripts); c.229-1245_284del (NM_001321938.2, NM_001321940.1, NM_001321933.1); c.313-1245_368del (NM_001321939.2); c.424-1245_479del (NM_175929.3); c.223-1245_278del (NM_001321941.2); c.220-1245_275del (NM_001321944.1, NM_001321936.1, NM_001321932.1).
Identifiers: ClinVar variation 2300494 (VCV002300494.2), ClinGen allele CA2580087033.